The following is an entry in ClinVar:

ClinVar aggregate classification (germline): Uncertain significance (1 of 4 stars; one submission).

Allele frequency attached by ClinVar (database versions not stated): gnomAD exomes 0.00002.
gnomAD v4.1: 23 of 1,614,128 alleles (0.0014%); highest among the groups gnomAD compares: Non-Finnish European, 0.0019%; no homozygotes.

Submission:

Labcorp Genetics (formerly Invitae), Labcorp
Classification: Uncertain significance. Last evaluated: 2025-03-13. Review status: criteria provided, single submitter. Criteria: Invitae Variant Classification Sherloc (09022015). Collection method: clinical testing. Allele origin: germline.
Comment: This sequence change replaces aspartic acid, which is acidic and polar, with glutamic acid, which is acidic and polar, at codon 1469 of the KMT2A protein (p.Asp1469Glu). This variant is not present in population databases (gnomAD no frequency). This variant has not been reported in the literature in individuals affected with KMT2A-related conditions. ClinVar contains an entry for this variant (Variation ID: 1430107). Invitae Evidence Modeling of protein sequence and biophysical properties (such as structural, functional, and spatial information, amino acid conservation, physicochemical variation, residue mobility, and thermodynamic stability) indicates that this missense variant is not expected to disrupt KMT2A protein function with a negative predictive value of 95%. In summary, the available evidence is currently insufficient to determine the role of this variant in disease. Therefore, it has been classified as a Variant of Uncertain Significance.

NM_001197104.2(KMT2A):c.4407C>A (p.Asp1469Glu)

Gene: KMT2A (lysine methyltransferase 2A; plus strand). Cytogenetic location: 11q23.3.
Variant type: single nucleotide variant.
Coding change: c.4407C>A on transcript NM_001197104.2 (MANE Select); coding-DNA position 4407, C replaced by A.
Protein change: p.Asp1469Glu; replaces aspartic acid 1469 with glutamic acid.
Molecular consequence: missense variant.
Genome position (GRCh38, 1-based): chr11:118,488,688, C>A. VCF-style: chr11-118488688-C-A. GRCh37 (hg19) VCF-style: chr11-118359403-C-A.
Other names: c.4407C>A, p.Asp1469Glu (NM_005933.4); short protein forms D1469E.
Identifiers: ClinVar variation 1430107 (VCV001430107.8), dbSNP rs2134327943, ClinGen allele CA382832330.
Genomic context (GRCh38, chr11:118,488,688, plus strand): 5'-AGTCTGTTGTGAGCCCTTCCACAAGTTTTGTTTAGAGGAGAACGAGCGCCCTCTGGAGGA[C>A]CAGCTGGAAAATTGGTGTTGTCGTCGTTGCAAATTCTGTCACGTTTGTGGAAGGCAACAT-3'
Protein context (NP_001184033.1, residues 1459-1479): CLEENERPLE[Asp1469Glu]QLENWCCRRC